The following is an entry in ClinVar:

ClinVar aggregate classification (germline): Uncertain significance. Review status: criteria provided, multiple submitters, no conflicts (2 of 4 stars). 3 submissions from 3 submitters: Uncertain significance (3). Last evaluated 2025-06-19.

Conditions:
Inborn genetic diseases. Identifiers: MedGen C0950123, MeSH D030342.

Allele frequency attached by ClinVar (database versions not stated): gnomAD exomes 0.00009 and 0.00003; gnomAD 0.00003; TOPMed 0.00003; ExAC 0.00011.
gnomAD v4.1: 40 of 1,612,622 alleles (0.0025%); highest among the groups gnomAD compares: East Asian, 0.025%; no homozygotes.

Submissions (3):

ARUP Laboratories, Molecular Genetics and Genomics, ARUP Laboratories
Classification: Uncertain significance. Last evaluated: 2025-06-19. Review status: criteria provided, single submitter. Criteria: ARUP Molecular Germline Variant Investigation Process 2024. Collection method: clinical testing. Allele origin: germline.
Comment: The SPTB c.5279C>T; p.Ala1760Val variant (rs778913256), to our knowledge, is not reported in the medical literature but is reported in ClinVar (Variation ID: 1330879). This variant is found in the general population with an overall allele frequency of 0.009% (25/281858 alleles) in the Genome Aggregation Database (v2.1.1). Computational analyses predict that this variant is neutral (REVEL: 0.044). Due to limited information, the clinical significance of this variant is uncertain at this time.

Ambry Genetics
Classification: Uncertain significance for Inborn genetic diseases. Last evaluated: 2024-05-13. Review status: criteria provided, single submitter. Criteria: Ambry Variant Classification Scheme 2023. Collection method: clinical testing. Allele origin: germline.

Mayo Clinic Laboratories, Mayo Clinic
Classification: Uncertain significance. Last evaluated: 2022-01-05. Review status: criteria provided, single submitter. Criteria: ACMG Guidelines, 2015. Collection method: clinical testing. Allele origin: germline.

NM_001355436.2(SPTB):c.5279C>T (p.Ala1760Val)

Gene: SPTB (spectrin beta, erythrocytic; minus strand). Cytogenetic location: 14q23.3.
Variant type: single nucleotide variant.
Coding change: c.5279C>T on transcript NM_001355436.2 (MANE Select); coding-DNA position 5279, C replaced by T.
Protein change: p.Ala1760Val; replaces alanine 1760 with valine.
Molecular consequence: missense variant.
Genome position (GRCh38, 1-based): chr14:64,772,854, G>A on the plus strand (C>T on the coding strand, the complement: SPTB is on the minus strand). VCF-style: chr14-64772854-G-A. GRCh37 (hg19) VCF-style: chr14-65239572-G-A.
Other names: p.Ala1760Val; NM_000347.5:c.5279C>T; c.5279C>T, p.Ala1760Val (NM_001024858.4, NM_001355437.2); short protein forms A1760V.
Identifiers: ClinVar variation 1330879 (VCV001330879.12), dbSNP rs778913256, ClinGen allele CA7230005.
Genomic context (GRCh38, chr14:64,772,854, plus strand): 5'-GCCCACATCTCGTTCAGCCCGTCCTTCCACTCGGCGATGGTGGCCGCCTCGCTGTGGCCC[G>A]CGTCGATGAGTCGCTCGATGAAGGCATTCACATTGTCCACCCGCTCCTGCCCAATCGCCC-3'
Protein context (NP_001342365.1, residues 1750-1770): VNAFIERLID[Ala1760Val]GHSEAATIAE